The following is an entry in ClinVar:

ClinVar aggregate classification (germline): Uncertain significance (1 of 4 stars; one submission).

Conditions:
Neurofibromatosis, type 1 (NF1). Also called: VON RECKLINGHAUSEN DISEASE; NEUROFIBROMATOSIS, TYPE I, SOMATIC; Peripheral type neurofibromatosis; Neurofibromatosis, type I. Identifiers: Orphanet 636, MedGen C0027831, MONDO:0018975, OMIM 162200. Disease mechanism: loss of function.

Submission:

Labcorp Genetics (formerly Invitae), Labcorp
Classification: Uncertain significance for Neurofibromatosis, type 1. Last evaluated: 2023-09-10. Review status: criteria provided, single submitter. Criteria: Invitae Variant Classification Sherloc (09022015). Collection method: clinical testing. Allele origin: germline.
Comment: In summary, the available evidence is currently insufficient to determine the role of this variant in disease. Therefore, it has been classified as a Variant of Uncertain Significance. Advanced modeling of protein sequence and biophysical properties (such as structural, functional, and spatial information, amino acid conservation, physicochemical variation, residue mobility, and thermodynamic stability) performed at Invitae indicates that this missense variant is expected to disrupt NF1 protein function. This variant has not been reported in the literature in individuals affected with NF1-related conditions. This variant is not present in population databases (gnomAD no frequency). This sequence change replaces phenylalanine, which is neutral and non-polar, with valine, which is neutral and non-polar, at codon 1205 of the NF1 protein (p.Phe1205Val).

NM_001042492.3(NF1):c.3613T>G (p.Phe1205Val)

Gene: NF1 (neurofibromin 1; plus strand). Cytogenetic location: 17q11.2.
Variant type: single nucleotide variant.
Coding change: c.3613T>G on transcript NM_001042492.3 (MANE Select); coding-DNA position 3613, T replaced by G.
Protein change: p.Phe1205Val; replaces phenylalanine 1205 with valine.
Molecular consequence: missense variant.
Genome position (GRCh38, 1-based): chr17:31,233,118, T>G. VCF-style: chr17-31233118-T-G. GRCh37 (hg19) VCF-style: chr17-29560136-T-G.
Other names: c.3613T>G, p.Phe1205Val (NM_000267.4); short protein forms F1205V.
Identifiers: ClinVar variation 2759760 (VCV002759760.3), dbSNP rs2151435599, ClinGen allele CA398990305.